The following is an entry in ClinVar:

NM_001374828.1(ARID1B):c.1281GGC[6] (p.Ala433_Gly434insAlaAla)

Gene: ARID1B (AT-rich interaction domain 1B; plus strand). Cytogenetic location: 6q25.3.
Variant type: Microsatellite.
Coding change: c.1281GGC[6] on transcript NM_001374828.1 (MANE Select); six copies in a row of the 3-base unit GGC starting at c.1281; the reference has four copies in a row; two copies, 6 bases duplicated.
Protein change: p.Ala433_Gly434insAlaAla.
Molecular consequence: inframe insertion. On other transcripts: inframe indel (1).
Genome position (GRCh38, 1-based): chr6:156,778,967-156,778,972, GGCGGC duplicated; duplicating any 6 consecutive bases within chr6:156,778,959-156,778,972 gives the same sequence; the position shown is the placement nearest the transcript's 3' end. VCF-style (leftmost placement, unchanged base first): chr6-156778958-C-CGCGGCG. GRCh37 (hg19) VCF-style: chr6-157100092-C-CGCGGCG.
Other names: c.1038_1043dup6 (NM_020732.3); c.1038_1043dupGGCGGC (NM_020732.3); c.1281GGC[6], p.Ala433_Gly434insAlaAla (NM_001371656.1, NM_001374820.1, NM_017519.3).
Identifiers: ClinVar variation 1773009 (VCV001773009.7), dbSNP rs764418312, ClinGen allele CA571907158.

ClinVar aggregate classification (germline): Conflicting classifications of pathogenicity. Review status: criteria provided, conflicting classifications (1 of 4 stars). 4 submissions from 4 submitters: Uncertain significance (2); Likely benign (2). Last evaluated 2024-09-30.

Conditions:
ARID1B-Related Disorder. Identifiers: MedGen CN381337.
Inborn genetic diseases. Identifiers: MedGen C0950123, MeSH D030342.

Submissions (4):

Blueprint Genetics
Classification: Likely benign. Last evaluated: 2024-09-30. Review status: criteria provided, single submitter. Criteria: ACMG Guidelines, 2015. Collection method: clinical testing. Allele origin: germline.

Labcorp Genetics (formerly Invitae), Labcorp
Classification: Uncertain significance. Last evaluated: 2024-02-05. Review status: criteria provided, single submitter. Criteria: Invitae Variant Classification Sherloc (09022015). Collection method: clinical testing. Allele origin: germline.
Comment: This variant, c.1038_1043dup, results in the insertion of 2 amino acid(s) of the ARID1B protein (p.Ala349_Ala350dup), but otherwise preserves the integrity of the reading frame. The frequency data for this variant in the population databases is considered unreliable, as metrics indicate poor data quality at this position in the gnomAD database. This variant has not been reported in the literature in individuals affected with ARID1B-related conditions. ClinVar contains an entry for this variant (Variation ID: 1773009). In summary, the available evidence is currently insufficient to determine the role of this variant in disease. Therefore, it has been classified as a Variant of Uncertain Significance.

PreventionGenetics, part of Exact Sciences
Classification: Uncertain significance for ARID1B-related condition. Last evaluated: 2023-01-19. Review status: criteria provided, single submitter. Criteria: ACMG Guidelines, 2015. Collection method: clinical testing. Allele origin: germline.
Comment: The ARID1B c.1038_1043dup6 variant is predicted to result in an in-frame duplication (p.Ala349_Ala350dup). To our knowledge, this variant has not been reported in the literature. This variant is reported in 0.068% of alleles in individuals of East Asian descent in gnomAD. Although we suspect that this variant may be benign, at this time, the clinical significance of this variant is uncertain due to the absence of conclusive functional and genetic evidence.

Ambry Genetics
Classification: Likely benign for Inborn genetic diseases. Last evaluated: 2018-01-22. Review status: criteria provided, single submitter. Criteria: Ambry Variant Classification Scheme 2023. Collection method: clinical testing. Allele origin: germline.